The following is an entry in ClinVar:

ClinVar aggregate classification (germline): Uncertain significance (1 of 4 stars; one submission).

Conditions:
Arrhythmogenic cardiomyopathy with wooly hair and keratoderma. Also called: PALMOPLANTAR KERATODERMA WITH LEFT VENTRICULAR CARDIOMYOPATHY AND WOOLLY HAIR; Carvajal syndrome; Dilated cardiomyopathy with woolly hair and keratoderma; Arrhythmogenic cardiomyopathy with woolly hair and keratoderma. Identifiers: Orphanet 65282, MedGen C1854063, MONDO:0011581, OMIM 605676.

Submission:

All of Us Research Program, National Institutes of Health
Classification: Uncertain significance for Arrhythmogenic cardiomyopathy with wooly hair and keratoderma. Last evaluated: 2024-01-11. Review status: criteria provided, single submitter. Criteria: ACMG Guidelines, 2015. Collection method: clinical testing. Allele origin: germline. Inheritance: Autosomal dominant inheritance. Observed: 2 variant alleles, 2 heterozygotes.
Comment: This missense variant replaces lysine with asparagine at codon 301 of the DSP protein. Computational prediction suggests that this variant may not impact protein structure and function (internally defined REVEL score threshold <= 0.5, PMID: 27666373). To our knowledge, functional studies have not been reported for this variant. This variant has not been reported in individuals affected with DSP-related disorders in the literature. This variant has not been identified in the general population by the Genome Aggregation Database (gnomAD). The available evidence is insufficient to determine the role of this variant in disease conclusively. Therefore, this variant is classified as a Variant of Uncertain Significance.

This study involves interpretation of variants in research participants for the purpose of population health screening. Participant phenotype was not available at the time of variant classification. Additional details can be found in publication PMID: 35346344, PMCID: PMC8962531

NM_004415.4(DSP):c.903G>T (p.Lys301Asn)

Gene: DSP (desmoplakin; plus strand). Cytogenetic location: 6p24.3.
Variant type: single nucleotide variant.
Coding change: c.903G>T on transcript NM_004415.4 (MANE Select); coding-DNA position 903, G replaced by T.
Protein change: p.Lys301Asn; replaces lysine 301 with asparagine.
Molecular consequence: missense variant.
Genome position (GRCh38, 1-based): chr6:7,565,484, G>T. VCF-style: chr6-7565484-G-T. GRCh37 (hg19) VCF-style: chr6-7565717-G-T.
Other names: c.903G>T, p.Lys301Asn (NM_001008844.3, NM_001319034.2, NM_001406591.1); short protein forms K301N.
Identifiers: ClinVar variation 3074335 (VCV003074335.1), dbSNP rs2533872767, ClinGen allele CA362674592.
Genomic context (GRCh38, chr6:7,565,484, plus strand): 5'-GGAGATCATGTGGATCAATGACTGCGAGGAGGAGGAGCTGCTGTACGACTGGAGCGACAA[G>T]AACACCAACATCGCTCAGAAACAGGAGGCCTTCTCCGTAAGTTCACCCCACGCGGCTGTA-3'
Protein context (NP_004406.2, residues 291-311): EEELLYDWSD[Lys301Asn]NTNIAQKQEA